The following is an entry in ClinVar:

NM_000059.4(BRCA2):c.9106C>G (p.Gln3036Glu)

Gene: BRCA2 (BRCA2 DNA repair associated; plus strand). Cytogenetic location: 13q13.1.
Variant type: single nucleotide variant.
Coding change: c.9106C>G on transcript NM_000059.4 (MANE Select); coding-DNA position 9106, C replaced by G.
Protein change: p.Gln3036Glu; replaces glutamine 3036 with glutamic acid.
Molecular consequence: missense variant.
Genome position (GRCh38, 1-based): chr13:32,379,902, C>G. VCF-style: chr13-32379902-C-G. GRCh37 (hg19) VCF-style: chr13-32954039-C-G.
Other names: p.Q3036E:CAA>GAA; 9334C>G; short protein forms Q3036E.
Identifiers: ClinVar variation 38212 (VCV000038212.35), dbSNP rs202155613, ClinGen allele CA025983.

ClinVar aggregate classification (germline): Conflicting classifications of pathogenicity. Review status: criteria provided, conflicting classifications (1 of 4 stars). 15 submissions from 14 submitters: Uncertain significance (6); Likely benign (5). 4 of the submissions do not count toward it. Last evaluated 2026-04-07.

Conditions:
Familial pancreatic carcinoma. Identifiers: Orphanet 1333, MedGen C2931038, MONDO:0015278, OMIM 260350.
Hereditary cancer-predisposing syndrome. Also called: Hereditary Cancer Syndrome; Tumor predisposition; Neoplastic Syndromes, Hereditary; Hereditary neoplastic syndrome. Identifiers: Orphanet 140162, MedGen C0027672, MeSH D009386, MONDO:0015356.
Hereditary breast ovarian cancer syndrome. Also called: Hereditary breast and ovarian cancer syndrome; Breast and ovarian cancer; Hereditary breast and ovarian cancer; BRCA1- and BRCA2-Associated Hereditary Breast and Ovarian Cancer; Hereditary breast and ovarian cancer syndrome (HBOC); Hereditary breast and/or ovarian cancer syndrome. Identifiers: Orphanet 145, MedGen C0677776, MeSH D061325, MONDO:0003582. Disease mechanism: loss of function.
Fanconi anemia complementation group D1. Also called: BRCA2-Related Fanconi Anemia. Identifiers: Orphanet 319462, MedGen C1838457, MONDO:0011584, OMIM 605724.
Breast-ovarian cancer, familial, susceptibility to, 2 (BROVCA2). Also called: BRCA2 Hereditary Breast and Ovarian Cancer. Identifiers: Orphanet 145, MedGen C2675520, MONDO:0012933, OMIM 612555. Disease mechanism: loss of function.
Familial cancer of breast. Also called: hereditary breast carcinoma; BREAST CANCER, FAMILIAL; Hereditary breast cancer. Identifiers: Orphanet 227535, MedGen C0346153, MONDO:0016419, OMIM 114480. Disease mechanism: loss of function.

Allele frequency attached by ClinVar (database versions not stated): TOPMed 0.00002; ExAC 0.00003; gnomAD 0.00001; gnomAD exomes 0.00001 and 0.00004; 1000 Genomes Project 30x 0.00016; 1000 Genomes Project 0.00020.
gnomAD v4.1: 9 of 1,613,476 alleles (0.00056%); highest among the groups gnomAD compares: East Asian, 0.02%; no homozygotes.

Submissions (15):

Myriad Genetics, Inc.
Classification: Likely benign for Breast-ovarian cancer, familial, susceptibility to, 2. Last evaluated: 2026-04-07. Review status: criteria provided, single submitter. Criteria: Myriad Autosomal Dominant, Autosomal Recessive and X-Linked Classification Criteria (2023). Collection method: clinical testing. Allele origin: unknown.
Comment: This variant is considered likely benign. This variant is strongly associated with less severe personal and family histories of cancer, typical for individuals without pathogenic variants in this gene [PMID: 25085752].

Labcorp Genetics (formerly Invitae), Labcorp
Classification: Likely benign for Hereditary breast ovarian cancer syndrome. Last evaluated: 2025-11-22. Review status: criteria provided, single submitter. Criteria: Invitae Variant Classification Sherloc (09022015). Collection method: clinical testing. Allele origin: germline.

All of Us Research Program, National Institutes of Health
Classification: Likely benign for Breast-ovarian cancer, familial, susceptibility to, 2. Last evaluated: 2024-02-05. Review status: criteria provided, single submitter. Criteria: ACMG Guidelines, 2015. Collection method: clinical testing. Allele origin: germline. Inheritance: Autosomal dominant inheritance. Observed: 4 variant alleles, 4 heterozygotes.
Comment: This missense variant replaces glutamine with glutamic acid at codon 3036 of the BRCA2 protein. Computational prediction suggests that this variant may not impact protein structure and function (internally defined REVEL score threshold <= 0.5, PMID: 27666373). To our knowledge, functional studies have not been reported for this variant. This variant has been reported in individuals affected with breast/ovarian cancer (PMID: 18627636, 30078507) but also in controls (PMID: 30078507). This variant has been identified in 11/280278 chromosomes in the general population by the Genome Aggregation Database (gnomAD). The available evidence is insufficient to determine the role of this variant in disease conclusively. Therefore, this variant is classified as a Variant of Uncertain Significance.

This study involves interpretation of variants in research participants for the purpose of population health screening. Participant phenotype was not available at the time of variant classification. Additional details can be found in publication PMID: 35346344, PMCID: PMC8962531

Ambry Genetics
Classification: Likely benign for Hereditary cancer-predisposing syndrome. Last evaluated: 2023-12-05. Review status: criteria provided, single submitter. Criteria: Ambry Variant Classification Scheme 2023. Collection method: clinical testing. Allele origin: germline.

Baylor Genetics
Classification: Uncertain significance for Familial cancer of breast. Last evaluated: 2023-10-05. Review status: criteria provided, single submitter. Criteria: ACMG Guidelines, 2015. Collection method: clinical testing. Allele origin: unknown.

Color Diagnostics, LLC DBA Color Health
Classification: Likely benign for Hereditary cancer-predisposing syndrome. Last evaluated: 2023-02-24. Review status: criteria provided, single submitter. Criteria: ACMG Guidelines, 2015. Collection method: clinical testing. Allele origin: germline.

Women's Health and Genetics/Laboratory Corporation of America, LabCorp
Classification: Uncertain significance. Last evaluated: 2022-06-27. Review status: criteria provided, single submitter. Criteria: LabCorp Variant Classification Summary - May 2015. Collection method: clinical testing. Allele origin: germline.
Comment: Variant summary: BRCA2 c.9106C>G (p.Gln3036Glu) results in a conservative amino acid change in the encoded protein sequence. Three of five in-silico tools predict a benign effect of the variant on protein function. The variant allele was found at a frequency of 6.2e-05 in 291048 control chromosomes (gnomAD, Li_2015, Dong_2021, Sullivan_2021). This frequency is not significantly higher than expected for a pathogenic variant in BRCA2 causing Hereditary Breast And Ovarian Cancer Syndrome (6.2e-05 vs 0.00075), allowing no conclusion about variant significance. c.9106C>G has been reported in the literature in individuals affected with Breast and/or Ovarian Cancer (e.g. Thirthagiri_2008, Kwong_2016, Li_2018, Wang_2019, Sullivan_2021, Dorling_2021). These reports do not provide unequivocal conclusions about association of the variant with Hereditary Breast And Ovarian Cancer Syndrome. At least one publication reports experimental evidence evaluating an impact on protein function: complementation assays using mouse Embryonic Stem cells lacking brca2 transfected with the human variant protein showed that there was no reduction in viability, and no increased sensitivity to DNA damage (Sullivan_2021). This demonstrated that the variant had no damaging effect on protein function and could fully rescue the brca2 null cells. Six ClinVar submitters have assessed the variant since 2014: five classified the variant as of uncertain significance, and one as likely benign. Based on the evidence outlined above, the variant was classified as VUS-possibly benign.

Department of Pathology and Laboratory Medicine, Sinai Health System
Classification: Uncertain significance for Familial pancreatic carcinoma. Last evaluated: 2020-10-05. Review status: criteria provided, single submitter. Criteria: ACMG Guidelines, 2015. Collection method: clinical testing. Allele origin: germline. Affected: yes.

GeneDx
Classification: Uncertain significance. Last evaluated: 2019-05-02. Review status: criteria provided, single submitter. Criteria: GeneDx Variant Classification Process June 2021. Collection method: clinical testing. Allele origin: germline. Affected: yes.
Comment: Not observed at a significant frequency in large population cohorts (Lek et al., 2016); In silico analysis, which includes protein predictors and evolutionary conservation, supports that this variant does not alter protein structure/function; This variant is associated with the following publications: (PMID: 18627636, 27157322, 30934991, 29684080, 23165508, 29138572, 29875142, 26689913, 33314489, 31825140)

Illumina Laboratory Services, Illumina
Classification: Uncertain significance for Breast-ovarian cancer, familial, susceptibility to, 2. Last evaluated: 2018-01-13. Review status: criteria provided, single submitter. Criteria: ICSL Variant Classification Criteria 13 December 2019. Collection method: clinical testing. Allele origin: germline.

Illumina Laboratory Services, Illumina
Classification: Uncertain significance for Fanconi anemia complementation group D1. Last evaluated: 2018-01-13. Review status: criteria provided, single submitter. Criteria: ICSL Variant Classification Criteria 13 December 2019. Collection method: clinical testing. Allele origin: germline.

Counsyl
Classification: Uncertain significance for Breast-ovarian cancer, familial, susceptibility to, 2. Last evaluated: 2016-01-13. Review status: no assertion criteria provided. Collection method: clinical testing. Allele origin: unknown. Not counted in ClinVar's aggregate classification.

Sharing Clinical Reports Project (SCRP)
Classification: Uncertain significance for Breast-ovarian cancer, familial 2. Last evaluated: 2011-06-30. Review status: no assertion criteria provided. Collection method: clinical testing. Allele origin: germline. Not counted in ClinVar's aggregate classification.

Breast Cancer Information Core (BIC) (BRCA2)
Classification: Uncertain significance for Breast-ovarian cancer, familial 2. Last evaluated: 2010-09-18. Review status: no assertion criteria provided. Collection method: clinical testing. Allele origin: germline. Affected: yes. Observed: 1 variant allele. Not counted in ClinVar's aggregate classification.

Center for Precision Medicine, Meizhou People's Hospital
Classification: Uncertain significance for Familial cancer of breast. Review status: no assertion criteria provided. Collection method: literature only. Allele origin: germline. Affected: yes. Not counted in ClinVar's aggregate classification.

Literature cited by the submitters: PubMed 25085752 (cited by Myriad Genetics, Inc.); PubMed 18627636 (cited by 6 submitters); PubMed 30078507 (cited by All of Us Research Program, National Institutes of Health and Women's Health and Genetics/Laboratory Corporation of America, LabCorp); PubMed 27157322 (cited by 3 submitters); PubMed 30702160 (cited by Ambry Genetics and Center for Precision Medicine, Meizhou People's Hospital); PubMed 31825140 (cited by Ambry Genetics and Center for Precision Medicine, Meizhou People's Hospital); PubMed 35918668 (cited by Ambry Genetics); PubMed 30982232 (cited by Women's Health and Genetics/Laboratory Corporation of America, LabCorp); PubMed 33471991 (cited by Women's Health and Genetics/Laboratory Corporation of America, LabCorp); PubMed 32467295 (cited by Women's Health and Genetics/Laboratory Corporation of America, LabCorp); PubMed 33314489 (cited by Women's Health and Genetics/Laboratory Corporation of America, LabCorp).